The following is an entry in ClinVar:

ClinVar aggregate classification (germline): Benign/Likely benign. Review status: criteria provided, multiple submitters, no conflicts (2 of 4 stars). 3 submissions from 3 submitters: Benign (1); Likely benign (2). Last evaluated 2025-12-08.

Allele frequency attached by ClinVar (database versions not stated): ESP Exome Variant Server 0.00008; gnomAD 0.00029; ExAC 0.00049; gnomAD exomes 0.00054; TOPMed 0.00070; 1000 Genomes Project 0.00100; 1000 Genomes Project 30x 0.00141.
gnomAD v4.1: 366 of 1,541,002 alleles (0.024%); highest among the groups gnomAD compares: East Asian, 0.58%; 2 homozygotes.

Submissions (3):

Labcorp Genetics (formerly Invitae), Labcorp
Classification: Benign. Last evaluated: 2025-12-08. Review status: criteria provided, single submitter. Criteria: Invitae Variant Classification Sherloc (09022015). Collection method: clinical testing. Allele origin: germline.

GeneDx
Classification: Likely benign. Last evaluated: 2018-03-19. Review status: criteria provided, single submitter. Criteria: GeneDx Variant Classification (06012015). Collection method: clinical testing. Allele origin: germline. Affected: yes.
Comment: This variant is considered likely benign or benign based on one or more of the following criteria: it is a conservative change, it occurs at a poorly conserved position in the protein, it is predicted to be benign by multiple in silico algorithms, and/or has population frequency not consistent with disease.

Breakthrough Genomics
Classification: Likely benign. Review status: criteria provided, single submitter. Criteria: ACMG Guidelines, 2015. Collection method: not provided. Allele origin: germline. Inheritance: Autosomal recessive inheritance. Affected: yes.

NM_173630.4(RTTN):c.488-15C>T

Gene: RTTN (rotatin; minus strand). Cytogenetic location: 18q22.2.
Variant type: single nucleotide variant.
Coding change: c.488-15C>T on transcript NM_173630.4 (MANE Select); 15 bases into the intron before coding-DNA position 488, C replaced by T.
Molecular consequence: intron variant.
Genome position (GRCh38, 1-based): chr18:70,199,519, G>A on the plus strand (C>T on the coding strand, the complement: RTTN is on the minus strand). VCF-style: chr18-70199519-G-A. GRCh37 (hg19) VCF-style: chr18-67866755-G-A.
Other names: c.-2066-15C>T (NM_001318520.2).
Identifiers: ClinVar variation 672895 (VCV000672895.10), dbSNP rs182610959, ClinGen allele CA8996457.
Genomic context (GRCh38, chr18:70,199,519, plus strand): 5'-AGCCAAGGAAATGTAGAAAACTTCAAGCACTTCACAGTCTGATTTACTGTCAGTGAAAGA[G>A]CAAATCTTATGGTATCAAAGAATAAAGAGATGACAGATTCACAATGTTAAGAGTAAGTTT-3'